The following is an entry in ClinVar:

ClinVar aggregate classification (germline): Likely pathogenic (1 of 4 stars; one submission).

Conditions:
KIAA0586-related disorder. Also called: KIAA0586- Related disorders; KIAA0586-related condition.

Submission:

PreventionGenetics, part of Exact Sciences
Classification: Likely pathogenic for KIAA0586-related condition. Last evaluated: 2024-12-17. Review status: criteria provided, single submitter. Criteria: ACMG Guidelines, 2015. Collection method: clinical testing. Allele origin: germline.
Comment: The KIAA0586 c.1978delG variant is predicted to result in a frameshift and premature protein termination (p.Glu660Serfs*8). To our knowledge, this variant has not been reported in the literature or in a large population database (gnomAD), indicating this variant is rare. Frameshift variants in KIAA0586 are expected to be pathogenic. This variant is interpreted as likely pathogenic.

NM_001329943.3(KIAA0586):c.1819del (p.Glu607fs)

Gene: KIAA0586 (KIAA0586; plus strand). Cytogenetic location: 14q23.1.
Variant type: Deletion.
Coding change: c.1819del on transcript NM_001329943.3 (MANE Select); coding-DNA position 1819, one base deleted (G; older notation c.1819delG).
Protein change: p.Glu607fs; shifts the reading frame from glutamic acid 607.
Molecular consequence: frameshift variant. On other transcripts: intron variant (1).
Genome position (GRCh38, 1-based): chr14:58,460,005, G deleted. VCF-style (leftmost placement, unchanged base first): chr14-58460004-AG-A. GRCh37 (hg19) VCF-style: chr14-58926722-AG-A.
Other names: c.1978del, p.Glu660fs (NM_001244189.2); c.1774del, p.Glu592fs (NM_001244190.2); c.1564del, p.Glu522fs (NM_001244191.2, NM_001329945.2, NM_001364700.1 and 1 more transcripts); c.1687del, p.Glu563fs (NM_001244192.2); c.1399del, p.Glu467fs (NM_001244193.2); c.1819del, p.Glu607fs (NM_001329944.2, NM_001329946.2, NM_001329947.2); c.1657-981del (NM_014749.5); short protein forms E467fs, E522fs, E563fs, E592fs, E607fs, E660fs.
Identifiers: ClinVar variation 5001085 (VCV005001085.1).
Genomic context (GRCh38, chr14:58,460,004, plus strand): 5'-ACAAGATAAAACTGTCAACAAATCTGTAATTCCAAGAAAACATTCTCAAAAGCAAATAGA[AG>A]AGCATTTTAGAAATCTACCTATGAGGGGCATGCCTGCTTCAAGTTTACAGAAAGAGAGAA-3'